The following is an entry in ClinVar:

NM_007294.4(BRCA1):c.4185+3033A>G

Gene: BRCA1 (BRCA1 DNA repair associated; minus strand). Cytogenetic location: 17q21.31.
Variant type: single nucleotide variant.
Coding change: c.4185+3033A>G on transcript NM_007294.4 (MANE Select); 3033 bases into the intron after coding-DNA position 4185, A replaced by G.
Molecular consequence: intron variant.
Genome position (GRCh38, 1-based): chr17:43,087,911, T>C on the plus strand (A>G on the coding strand, the complement: BRCA1 is on the minus strand). VCF-style: chr17-43087911-T-C. GRCh37 (hg19) VCF-style: chr17-41239928-T-C.
Other names: c.753+3033A>G (NM_001408444.1, NM_001408438.1, NM_001408430.1 and 12 more transcripts); c.4062+3033A>G (NM_001407682.1, NM_001407676.1, NM_001407863.1 and 19 more transcripts); c.759+3033A>G (NM_001408423.1, NM_001408420.1, NM_001408419.1 and 2 more transcripts); c.876+3033A>G (NM_001408404.1, NM_001408472.1, NM_001407990.1 and 17 more transcripts); c.1581+3033A>G (NM_001407969.1, NM_001407968.1); c.4185+3033A>G (NM_001407640.1, NM_001407626.1, NM_001407617.1 and 30 more transcripts); c.666+3033A>G (NM_001408492.1, NM_001408513.1, NM_001408489.1 and 9 more transcripts); c.732+3033A>G (NM_001408468.1, NM_001408465.1, NM_001408463.1 and 3 more transcripts); and 41 more.
Identifiers: ClinVar variation 264855 (VCV000264855.2), dbSNP rs79996471, ClinGen allele CA10588224.
Genomic context (GRCh38, chr17:43,087,911, plus strand): 5'-CCACTCAAGTAGCTGAGACTACAGGTGTGCACCACTAAGCCTCACTAATTTTTTTTTTTT[T>C]CCCAGACAGGGGTTGCCCAGAACAGAGTGCAGTAGCGTGATCACAACTCACTGCAGCCTT-3'

ClinVar aggregate classification (germline): Benign (3 of 4 stars; one submission).

Conditions:
Breast-ovarian cancer, familial, susceptibility to, 1 (BROVCA1). Also called: BRCA1 Hereditary Breast and Ovarian Cancer; OVARIAN CANCER, SUSCEPTIBILITY TO. Identifiers: Orphanet 145, MedGen C2676676, MONDO:0011450, OMIM 604370. Disease mechanism: loss of function.

Allele frequency attached by ClinVar (database versions not stated): TOPMed 0.00886; 1000 Genomes Project 0.01158; 1000 Genomes Project 30x 0.00796; gnomAD 0.00865 and 0.00879.
gnomAD v4.1: 1,281 of 149,134 alleles (0.86%); highest among the groups gnomAD compares: Non-Finnish European, 1.4%; 9 homozygotes.

Submission:

Evidence-based Network for the Interpretation of Germline Mutant Alleles (ENIGMA)
Classification: Benign for Breast-ovarian cancer, familial, susceptibility to, 1. Last evaluated: 2016-09-28. Review status: reviewed by expert panel. Criteria: ENIGMA BRCA1/2 Classification Criteria (2015). Collection method: curation. Allele origin: germline.
Comment: Class 1 not pathogenic based on frequency >1% in an outbred sampleset. Frequency 0.0268 (European), 0.0274 (Admixed American/Latino), derived from 1000 genomes (2013-05-02).